The following is an entry in ClinVar:

NM_002637.4(PHKA1):c.2339C>T (p.Ala780Val)

Gene: PHKA1 (phosphorylase kinase regulatory subunit alpha 1; minus strand). Cytogenetic location: Xq13.1.
Variant type: single nucleotide variant.
Coding change: c.2339C>T on transcript NM_002637.4 (MANE Select); coding-DNA position 2339, C replaced by T.
Protein change: p.Ala780Val; replaces alanine 780 with valine.
Molecular consequence: missense variant.
Genome position (GRCh38, 1-based): chrX:72,618,740, G>A on the plus strand (C>T on the coding strand, the complement: PHKA1 is on the minus strand). VCF-style: chrX-72618740-G-A. GRCh37 (hg19) VCF-style: chrX-71838590-G-A.
Other names: c.2339C>T, p.Ala780Val (NM_001122670.2); c.2162C>T, p.Ala721Val (NM_001172436.2); short protein forms A721V, A780V.
Identifiers: ClinVar variation 1343558 (VCV001343558.6), dbSNP rs782403774, ClinGen allele CA10450717.

ClinVar aggregate classification (germline): Uncertain significance. Review status: criteria provided, multiple submitters, no conflicts (2 of 4 stars). 3 submissions from 3 submitters: Uncertain significance (3). Last evaluated 2024-06-14.

Conditions:
Glycogen storage disease IXd (GSD9D). Also called: Muscle Phosphorylase Kinase Deficiency; GSD IXd. Identifiers: Orphanet 715, MedGen C1845151, MONDO:0010362, OMIM 300559.
Inborn genetic diseases. Identifiers: MedGen C0950123, MeSH D030342.

Allele frequency attached by ClinVar (database versions not stated): TOPMed below 0.00001; gnomAD 0.00001; ExAC 0.00005; gnomAD exomes 0.00006 and 0.00009.
gnomAD v4.1: 96 of 1,196,545 alleles (0.008%); highest among the groups gnomAD compares: South Asian, 0.051%; no homozygotes.

Submissions (3):

Labcorp Genetics (formerly Invitae), Labcorp
Classification: Uncertain significance for Glycogen storage disease IXd. Last evaluated: 2024-06-14. Review status: criteria provided, single submitter. Criteria: Invitae Variant Classification Sherloc (09022015). Collection method: clinical testing. Allele origin: germline.
Comment: This sequence change replaces alanine, which is neutral and non-polar, with valine, which is neutral and non-polar, at codon 780 of the PHKA1 protein (p.Ala780Val). This variant is present in population databases (rs782403774, gnomAD 0.05%), and has an allele count higher than expected for a pathogenic variant. This variant has not been reported in the literature in individuals affected with PHKA1-related conditions. ClinVar contains an entry for this variant (Variation ID: 1343558). Advanced modeling of protein sequence and biophysical properties (such as structural, functional, and spatial information, amino acid conservation, physicochemical variation, residue mobility, and thermodynamic stability) performed at Invitae indicates that this missense variant is not expected to disrupt PHKA1 protein function with a negative predictive value of 80%. In summary, the available evidence is currently insufficient to determine the role of this variant in disease. Therefore, it has been classified as a Variant of Uncertain Significance.

Ambry Genetics
Classification: Uncertain significance for Inborn genetic diseases. Last evaluated: 2022-06-10. Review status: criteria provided, single submitter. Criteria: Ambry Variant Classification Scheme 2023. Collection method: clinical testing. Allele origin: germline.

Women's Health and Genetics/Laboratory Corporation of America, LabCorp
Classification: Uncertain significance. Last evaluated: 2022-02-17. Review status: criteria provided, single submitter. Criteria: LabCorp Variant Classification Summary - May 2015. Collection method: clinical testing. Allele origin: germline.